The following is an entry in ClinVar:

ClinVar aggregate classification (germline): Uncertain significance (1 of 4 stars; one submission).

Conditions:
Cardiovascular phenotype. Identifiers: MedGen CN230736.

gnomAD v4.1: 1 of 1,613,652 alleles (0.000062%); highest among the groups gnomAD compares: Non-Finnish European, 0.000085%; no homozygotes.

Submission:

Ambry Genetics
Classification: Uncertain significance for Cardiovascular phenotype. Last evaluated: 2025-12-02. Review status: criteria provided, single submitter. Criteria: Ambry Variant Classification Scheme 2023. Collection method: clinical testing. Allele origin: germline.
Comment: The p.A331V variant (also known as c.992C>T), located in coding exon 8 of the TRPM4 gene, results from a C to T substitution at nucleotide position 992. The alanine at codon 331 is replaced by valine, an amino acid with similar properties. This amino acid position is conserved. In addition, this alteration is predicted to be tolerated by in silico analysis. Based on the available evidence, the clinical significance of this variant remains unclear.

NM_017636.4(TRPM4):c.992C>T (p.Ala331Val)

Gene: TRPM4 (transient receptor potential cation channel subfamily M member 4; plus strand). Cytogenetic location: 19q13.33.
Variant type: single nucleotide variant.
Coding change: c.992C>T on transcript NM_017636.4 (MANE Select); coding-DNA position 992, C replaced by T.
Protein change: p.Ala331Val; replaces alanine 331 with valine.
Molecular consequence: missense variant. On other transcripts: 5 prime UTR variant (1).
Genome position (GRCh38, 1-based): chr19:49,171,711, C>T. VCF-style: chr19-49171711-C-T. GRCh37 (hg19) VCF-style: chr19-49674968-C-T.
Other names: c.992C>T, p.Ala331Val (NM_001195227.2); c.647C>T, p.Ala216Val (NM_001321281.2); c.-562C>T (NM_001321282.2); c.470C>T, p.Ala157Val (NM_001321283.2); c.143C>T, p.Ala48Val (NM_001321285.2); short protein forms A157V, A216V, A331V, A48V.
Identifiers: ClinVar variation 4615279 (VCV004615279.1).